The following is an entry in ClinVar:

NM_000388.4(CASR):c.811T>C (p.Ser271Pro)

Gene: CASR (calcium sensing receptor; plus strand). Cytogenetic location: 3q21.1.
Variant type: single nucleotide variant.
Coding change: c.811T>C on transcript NM_000388.4 (MANE Select); coding-DNA position 811, T replaced by C.
Protein change: p.Ser271Pro; replaces serine 271 with proline.
Molecular consequence: missense variant.
Genome position (GRCh38, 1-based): chr3:122,261,846, T>C. VCF-style: chr3-122261846-T-C. GRCh37 (hg19) VCF-style: chr3-121980693-T-C.
Other names: c.811T>C, p.Ser271Pro (NM_001178065.2); short protein forms S271P.
Identifiers: ClinVar variation 2197232 (VCV002197232.4), dbSNP rs2473226587, ClinGen allele CA354151407.

ClinVar aggregate classification (germline): Uncertain significance (1 of 4 stars; one submission).

Conditions:
Autosomal dominant hypocalcemia 1 (HYPOC1). Also called: HYPOCALCEMIA, FAMILIAL. Identifiers: MedGen C3715128, MONDO:0011013, OMIM 601198.
Familial hypocalciuric hypercalcemia (FHH). Also called: Familial benign hypercalcemia. Identifiers: Orphanet 405, MedGen C1809471, MONDO:0018458.

Allele frequency attached by ClinVar (database versions not stated): gnomAD exomes below 0.00001.
gnomAD v4.1: 1 of 1,614,220 alleles (0.000062%); highest among the groups gnomAD compares: Non-Finnish European, 0.000085%; no homozygotes.

Submission:

Labcorp Genetics (formerly Invitae), Labcorp
Classification: Uncertain significance for Familial hypocalciuric hypercalcemia; Autosomal dominant hypocalcemia 1. Last evaluated: 2023-08-08. Review status: criteria provided, single submitter. Criteria: Invitae Variant Classification Sherloc (09022015). Collection method: clinical testing. Allele origin: germline.
Comment: This sequence change replaces serine, which is neutral and polar, with proline, which is neutral and non-polar, at codon 271 of the CASR protein (p.Ser271Pro). This variant is not present in population databases (gnomAD no frequency). This missense change has been observed in individual(s) with familial hypercalcemia hypocalciuria (PMID: 31672324). ClinVar contains an entry for this variant (Variation ID: 2197232). An algorithm developed to predict the effect of missense changes on protein structure and function (PolyPhen-2) suggests that this variant is likely to be disruptive. In summary, the available evidence is currently insufficient to determine the role of this variant in disease. Therefore, it has been classified as a Variant of Uncertain Significance.

Literature cited by the submitters: PubMed 31672324.